The following is an entry in ClinVar:

ClinVar aggregate classification (germline): Uncertain significance (1 of 4 stars; one submission).

Submission:

Labcorp Genetics (formerly Invitae), Labcorp
Classification: Uncertain significance. Last evaluated: 2024-10-30. Review status: criteria provided, single submitter. Criteria: Invitae Variant Classification Sherloc (09022015). Collection method: clinical testing. Allele origin: germline.
Comment: This sequence change replaces valine, which is neutral and non-polar, with isoleucine, which is neutral and non-polar, at codon 188 of the NAXD protein (p.Val188Ile). This variant is not present in population databases (gnomAD no frequency). This variant has not been reported in the literature in individuals affected with NAXD-related conditions. ClinVar contains an entry for this variant (Variation ID: 2045409). Invitae Evidence Modeling of protein sequence and biophysical properties (such as structural, functional, and spatial information, amino acid conservation, physicochemical variation, residue mobility, and thermodynamic stability) indicates that this missense variant is not expected to disrupt NAXD protein function with a negative predictive value of 80%. In summary, the available evidence is currently insufficient to determine the role of this variant in disease. Therefore, it has been classified as a Variant of Uncertain Significance.

NM_001242882.2(NAXD):c.508G>A (p.Val170Ile)

Gene: NAXD (NAD(P)HX dehydratase; plus strand). Cytogenetic location: 13q34.
Variant type: single nucleotide variant.
Coding change: c.508G>A on transcript NM_001242882.2 (MANE Select); coding-DNA position 508, G replaced by A.
Protein change: p.Val170Ile; replaces valine 170 with isoleucine.
Molecular consequence: missense variant. On other transcripts: non-coding transcript variant (2).
Genome position (GRCh38, 1-based): chr13:110,634,687, G>A. VCF-style: chr13-110634687-G-A. GRCh37 (hg19) VCF-style: chr13-111287034-G-A.
Other names: c.562G>A, p.Val188Ile (NM_001242881.2, NM_018210.4); c.232G>A, p.Val78Ile (NM_001242883.2); short protein forms V188I, V78I, V170I.
Identifiers: ClinVar variation 2045409 (VCV002045409.4), dbSNP rs2501699700, ClinGen allele CA388733879.
Genomic context (GRCh38, chr13:110,634,687, plus strand): 5'-TCCCGGAAGGCCTGTGCAGTGAGCACGGCTCCTTGTTCTGTGCAGGATGGCCTGTGGCTG[G>A]TCGCTCAGCAGCCGGCCCTCATCCATGGCTACCGGAAGGCTGTGCTCACTCCCAACCACG-3'
Protein context (NP_001229811.1, residues 160-180): VVIDADGLWL[Val170Ile]AQQPALIHGY